The following is an entry in ClinVar:

ClinVar aggregate classification (germline): Likely pathogenic (1 of 4 stars; one submission).

Conditions:
Developmental and epileptic encephalopathy, 7 (DEE7). Also called: Early infantile epileptic encephalopathy 7; KCNQ2-Related Neonatal-Onset Developmental and Epileptic Encephalopathy (NEO-DEE); KCNQ2-Related Neonatal Epileptic Encephalopathy. Identifiers: Orphanet 439218, MedGen C3150986, MONDO:0013387, OMIM 613720.

Submission:

Neuberg Centre For Genomic Medicine, NCGM
Classification: Likely pathogenic for Developmental and epileptic encephalopathy, 7. Review status: criteria provided, single submitter. Criteria: ACMG Guidelines, 2015. Collection method: clinical testing. Allele origin: germline. Inheritance: Autosomal dominant inheritance. Affected: yes.
Comment: The observed frame shift variant c.1549_1550insAGATGTC (p.Ile517LysfsTer6) in KCNQ2 gene has not been reported previously as a pathogenic variant nor as a benign variant, to our knowledge. The p.Ile517LysfsTer6 variant is absent in gnomAD Exomes. This variant has not been submitted to the ClinVar database. This variant causes a frameshift starting with codon Isoleucine 517, changes this amino acid to Lysine residue, and creates a premature Stop codon at position 6 of the new reading frame, denoted p.Ile517LysfsTer6. This variant is predicted to cause loss of normal protein function through protein truncation. Loss of function variants have been previously reported to be disease causing. For these reasons, this variant has been classified as Likely Pathogenic.

NM_172107.4(KCNQ2):c.1549_1550insAGATGTC (p.Ile517fs)

Gene: KCNQ2 (potassium voltage-gated channel subfamily Q member 2; minus strand). Cytogenetic location: 20q13.33.
Variant type: Insertion.
Coding change: c.1549_1550insAGATGTC on transcript NM_172107.4 (MANE Select); coding-DNA positions 1549 to 1550, AGATGTC inserted.
Protein change: p.Ile517fs; shifts the reading frame from isoleucine 517.
Molecular consequence: frameshift variant.
Genome position: GRCh38 VCF-style: chr20-63414169-A-AGACATCT. GRCh37 (hg19) VCF-style: chr20-62045522-A-AGACATCT.
Other names: c.1495_1496insAGATGTC, p.Ile499fs (NM_001382235.1, NM_172106.3); c.1465_1466insAGATGTC, p.Ile489fs (NM_004518.6); c.1456_1457insAGATGTC, p.Ile486fs (NM_172108.5); short protein forms I486fs, I489fs, I499fs, I517fs.
Identifiers: ClinVar variation 3250423 (VCV003250423.1), dbSNP rs2516177016.